The following is an entry in ClinVar:

NM_006231.4(POLE):c.629A>G (p.Lys210Arg)

Gene: POLE (DNA polymerase epsilon, catalytic subunit; minus strand). Cytogenetic location: 12q24.33.
Variant type: single nucleotide variant.
Coding change: c.629A>G on transcript NM_006231.4 (MANE Select); coding-DNA position 629, A replaced by G.
Protein change: p.Lys210Arg; replaces lysine 210 with arginine.
Molecular consequence: missense variant.
Genome position (GRCh38, 1-based): chr12:132,677,669, T>C on the plus strand (A>G on the coding strand, the complement: POLE is on the minus strand). VCF-style: chr12-132677669-T-C. GRCh37 (hg19) VCF-style: chr12-133254255-T-C.
Other names: c.629A>G (NM_006231.2); short protein forms K210R.
Identifiers: ClinVar variation 473792 (VCV000473792.16), dbSNP rs765826619, ClinGen allele CA6894248.

ClinVar aggregate classification (germline): Conflicting classifications of pathogenicity. Review status: criteria provided, conflicting classifications (1 of 4 stars). 3 submissions from 3 submitters: Uncertain significance (2); Likely benign (1). Last evaluated 2025-08-18.

Conditions:
Hereditary cancer-predisposing syndrome. Also called: Neoplastic Syndromes, Hereditary; Tumor predisposition; Hereditary Cancer Syndrome; Hereditary neoplastic syndrome. Identifiers: Orphanet 140162, MedGen C0027672, MeSH D009386, MONDO:0015356.

Allele frequency attached by ClinVar (database versions not stated): gnomAD exomes below 0.00001 and 0.00001; ExAC 0.00001; gnomAD 0.00001 and 0.00003; TOPMed 0.00002.
gnomAD v4.1: 2 of 1,614,046 alleles (0.00012%); highest among the groups gnomAD compares: East Asian, 0.0045%; no homozygotes.

Submissions (3):

Labcorp Genetics (formerly Invitae), Labcorp
Classification: Uncertain significance. Last evaluated: 2025-08-18. Review status: criteria provided, single submitter. Criteria: Invitae Variant Classification Sherloc (09022015). Collection method: clinical testing. Allele origin: germline.
Comment: This sequence change replaces lysine, which is basic and polar, with arginine, which is basic and polar, at codon 210 of the POLE protein (p.Lys210Arg). This variant is present in population databases (rs765826619, gnomAD 0.02%). This variant has not been reported in the literature in individuals affected with POLE-related conditions. ClinVar contains an entry for this variant (Variation ID: 473792). Invitae Evidence Modeling of protein sequence and biophysical properties (such as structural, functional, and spatial information, amino acid conservation, physicochemical variation, residue mobility, and thermodynamic stability) indicates that this missense variant is not expected to disrupt POLE protein function with a negative predictive value of 80%. In summary, the available evidence is currently insufficient to determine the role of this variant in disease. Therefore, it has been classified as a Variant of Uncertain Significance.

Ambry Genetics
Classification: Likely benign for Hereditary cancer-predisposing syndrome. Last evaluated: 2024-12-20. Review status: criteria provided, single submitter. Criteria: Ambry Variant Classification Scheme 2023. Collection method: clinical testing. Allele origin: germline.

GeneDx
Classification: Uncertain significance. Last evaluated: 2024-05-21. Review status: criteria provided, single submitter. Criteria: GeneDx Variant Classification Process June 2021. Collection method: clinical testing. Allele origin: germline. Affected: yes.
Comment: In silico analysis indicates that this missense variant does not alter protein structure/function; Has not been previously published as pathogenic or benign to our knowledge